The following is an entry in ClinVar:

NM_000548.5(TSC2):c.1117C>A (p.Gln373Lys)

Gene: TSC2 (TSC complex subunit 2; plus strand). Cytogenetic location: 16p13.3.
Variant type: single nucleotide variant.
Coding change: c.1117C>A on transcript NM_000548.5 (MANE Select); coding-DNA position 1117, C replaced by A.
Protein change: p.Gln373Lys; replaces glutamine 373 with lysine.
Molecular consequence: missense variant.
Genome position (GRCh38, 1-based): chr16:2,060,811, C>A. VCF-style: chr16-2060811-C-A. GRCh37 (hg19) VCF-style: chr16-2110812-C-A.
Other names: c.1117C>A, p.Gln373Lys (NM_001363528.2, NM_001370404.1, NM_001370405.1 and 3 more transcripts); c.1006C>A, p.Gln336Lys (NM_001318827.2); c.970C>A, p.Gln324Lys (NM_001318829.2); c.517C>A, p.Gln173Lys (NM_001318831.2); c.1150C>A, p.Gln384Lys (NM_001318832.2); short protein forms Q173K, Q324K, Q336K, Q373K, Q384K.
Identifiers: ClinVar variation 1061060 (VCV001061060.9), dbSNP rs45458694, ClinGen allele CA394318446.

ClinVar aggregate classification (germline): Uncertain significance (1 of 4 stars; one submission).

Conditions:
Tuberous sclerosis 2 (TSC2). Identifiers: Orphanet 805, MedGen C1860707, MONDO:0013199, OMIM 613254.

Submission:

Labcorp Genetics (formerly Invitae), Labcorp
Classification: Uncertain significance for Tuberous sclerosis 2. Last evaluated: 2022-10-04. Review status: criteria provided, single submitter. Criteria: Invitae Variant Classification Sherloc (09022015). Collection method: clinical testing. Allele origin: germline.
Comment: This sequence change replaces glutamine, which is neutral and polar, with lysine, which is basic and polar, at codon 373 of the TSC2 protein (p.Gln373Lys). This variant is not present in population databases (gnomAD no frequency). This variant has not been reported in the literature in individuals affected with TSC2-related conditions. ClinVar contains an entry for this variant (Variation ID: 1061060). Algorithms developed to predict the effect of missense changes on protein structure and function are either unavailable or do not agree on the potential impact of this missense change (SIFT: "Deleterious"; PolyPhen-2: "Benign"; Align-GVGD: "Class C15"). This variant disrupts the p.Gln373 amino acid residue in TSC2. Other variant(s) that disrupt this residue have been observed in individuals with TSC2-related conditions (PMID: 18854862; Invitae), which suggests that this may be a clinically significant amino acid residue. In summary, the available evidence is currently insufficient to determine the role of this variant in disease. Therefore, it has been classified as a Variant of Uncertain Significance.

Literature cited by the submitters: PubMed 18854862.